The following is an entry in ClinVar:

ClinVar aggregate classification (germline): Uncertain significance (1 of 4 stars; one submission).

Conditions:
Hereditary cancer-predisposing syndrome. Also called: Neoplastic Syndromes, Hereditary; Hereditary Cancer Syndrome; Tumor predisposition; Hereditary neoplastic syndrome. Identifiers: Orphanet 140162, MedGen C0027672, MeSH D009386, MONDO:0015356.

gnomAD v4.1: 1 of 1,614,208 alleles (0.000062%); highest among the groups gnomAD compares: South Asian, 0.0011%; no homozygotes.

Submission:

Ambry Genetics
Classification: Uncertain significance for Hereditary cancer-predisposing syndrome. Last evaluated: 2025-01-22. Review status: criteria provided, single submitter. Criteria: Ambry Variant Classification Scheme 2023. Collection method: clinical testing. Allele origin: germline.
Comment: The p.A1251V variant (also known as c.3752C>T), located in coding exon 22 of the PTCH1 gene, results from a C to T substitution at nucleotide position 3752. The alanine at codon 1251 is replaced by valine, an amino acid with similar properties. This amino acid position is conserved. In addition, this alteration is predicted to be tolerated by in silico analysis. Based on the available evidence, the clinical significance of this variant remains unclear.

NM_000264.5(PTCH1):c.3752C>T (p.Ala1251Val)

Gene: PTCH1 (patched 1; minus strand). Cytogenetic location: 9q22.32.
Variant type: single nucleotide variant.
Coding change: c.3752C>T on transcript NM_000264.5 (MANE Select); coding-DNA position 3752, C replaced by T.
Protein change: p.Ala1251Val; replaces alanine 1251 with valine.
Molecular consequence: missense variant. On other transcripts: non-coding transcript variant (1).
Genome position (GRCh38, 1-based): chr9:95,449,121, G>A on the plus strand (C>T on the coding strand, the complement: PTCH1 is on the minus strand). VCF-style: chr9-95449121-G-A. GRCh37 (hg19) VCF-style: chr9-98211403-G-A.
Other names: c.3554C>T, p.Ala1185Val (NM_001083602.3); c.3749C>T, p.Ala1250Val (NM_001083603.3); c.3299C>T, p.Ala1100Val (NM_001083604.3, NM_001083605.3, NM_001083606.3 and 1 more transcripts); c.3596C>T, p.Ala1199Val (NM_001354918.2); short protein forms A1100V, A1251V, A1199V, A1185V, A1250V.
Identifiers: ClinVar variation 3784643 (VCV003784643.1).